The following is an entry in ClinVar:

ClinVar aggregate classification (germline): Uncertain significance (1 of 4 stars; one submission).

Conditions:
Inborn genetic diseases. Identifiers: MedGen C0950123, MeSH D030342.

Allele frequency attached by ClinVar (database versions not stated): TOPMed below 0.00001; gnomAD 0.00001.
gnomAD v4.1: 1 of 1,614,016 alleles (0.000062%); highest among the groups gnomAD compares: Non-Finnish European, 0.000085%; no homozygotes.

Submission:

Ambry Genetics
Classification: Uncertain significance for Inborn genetic diseases. Last evaluated: 2024-03-14. Review status: criteria provided, single submitter. Criteria: Ambry Variant Classification Scheme 2023. Collection method: clinical testing. Allele origin: germline.
Comment: The p.N204D variant (also known as c.610A>G), located in coding exon 6 of the EPAS1 gene, results from an A to G substitution at nucleotide position 610. The asparagine at codon 204 is replaced by aspartic acid, an amino acid with highly similar properties. This amino acid position is conserved. In addition, this alteration is predicted to be tolerated by in silico analysis. Since supporting evidence is limited at this time, the clinical significance of this alteration remains unclear.

NM_001430.5(EPAS1):c.610A>G (p.Asn204Asp)

Genes: EPAS1 (endothelial PAS domain protein 1; plus strand), LOC126806210 (BRD4-independent group 4 enhancer GRCh37_chr2:46587586-46588785; plus strand). Cytogenetic location: 2p21.
Variant type: single nucleotide variant.
Coding change: c.610A>G on transcript NM_001430.5 (MANE Select); coding-DNA position 610, A replaced by G.
Protein change: p.Asn204Asp; replaces asparagine 204 with aspartic acid.
Molecular consequence: missense variant.
Genome position (GRCh38, 1-based): chr2:46,360,921, A>G. VCF-style: chr2-46360921-A-G. GRCh37 (hg19) VCF-style: chr2-46588060-A-G.
Other names: short protein forms N204D.
Identifiers: ClinVar variation 1751655 (VCV001751655.2), dbSNP rs1273345003, ClinGen allele CA346699842.